The following is an entry in ClinVar:

ClinVar aggregate classification (germline): Uncertain significance (0 of 4 stars; one submission).

Conditions:
BAZ2B-related disorder. Also called: BAZ2B-related condition.

gnomAD v4.1: 2 of 1,613,072 alleles (0.00012%); highest among the groups gnomAD compares: Non-Finnish European, 0.00017%; no homozygotes.

Submission:

PreventionGenetics, part of Exact Sciences
Classification: Uncertain significance for BAZ2B-related condition. Last evaluated: 2024-09-17. Review status: no assertion criteria provided. Collection method: clinical testing. Allele origin: germline.
Comment: The BAZ2B c.2707A>C variant is predicted to result in the amino acid substitution p.Lys903Gln. To our knowledge, this variant has not been reported in the literature or in a large population database, indicating this variant is rare. At this time, the clinical significance of this variant is uncertain due to the absence of conclusive functional and genetic evidence.

NM_013450.4(BAZ2B):c.2815A>C (p.Lys939Gln)

Gene: BAZ2B (bromodomain adjacent to zinc finger domain 2B; minus strand). Cytogenetic location: 2q24.2.
Variant type: single nucleotide variant.
Coding change: c.2815A>C on transcript NM_013450.4 (MANE Select); coding-DNA position 2815, A replaced by C.
Protein change: p.Lys939Gln; replaces lysine 939 with glutamine.
Molecular consequence: missense variant.
Genome position (GRCh38, 1-based): chr2:159,404,866, T>G on the plus strand (A>C on the coding strand, the complement: BAZ2B is on the minus strand). VCF-style: chr2-159404866-T-G. GRCh37 (hg19) VCF-style: chr2-160261377-T-G.
Other names: c.2707A>C, p.Lys903Gln (NM_001289975.1); c.2626A>C, p.Lys876Gln (NM_001329857.2); c.2713A>C, p.Lys905Gln (NM_001329858.2); short protein forms K876Q, K903Q, K905Q, K939Q.
Identifiers: ClinVar variation 3344943 (VCV003344943.1).